The following is an entry in ClinVar:

NM_001367479.1(DNAH14):c.2836_2837del (p.Ser946fs)

Gene: DNAH14 (dynein axonemal heavy chain 14; plus strand). Cytogenetic location: 1q42.12.
Variant type: Microsatellite.
Coding change: c.2836_2837del on transcript NM_001367479.1 (MANE Select); coding-DNA positions 2836 to 2837, 2 bases deleted (TC; older notation c.2836_2837delTC).
Protein change: p.Ser946fs; shifts the reading frame from serine 946.
Molecular consequence: frameshift variant.
Genome position (GRCh38, 1-based): chr1:225,080,448-225,080,449, TC deleted; deleting any 2 consecutive bases within chr1:225,080,443-225,080,449 gives the same sequence; the c. name uses the placement nearest the transcript's 3' end. VCF-style (leftmost placement, unchanged base first): chr1-225080442-ACT-A. GRCh37 (hg19) VCF-style: chr1-225268144-ACT-A.
Other names: NM_001373.1:c.2836_2837del; short protein forms S946fs.
Identifiers: ClinVar variation 1810643 (VCV001810643.3), dbSNP rs751611387, ClinGen allele CA1415832.

ClinVar aggregate classification (germline): Uncertain significance (1 of 4 stars; one submission).

Submission:

GeneDx
Classification: Uncertain significance. Last evaluated: 2026-10-21. Review status: criteria provided, single submitter. Criteria: GeneDx Variant Classification Process June 2021. Collection method: clinical testing. Allele origin: germline.
Comment: Frameshift variant predicted to result in protein truncation or nonsense mediated decay in a gene or region of a gene for which loss of function is not a well-established mechanism of disease; Has not been previously published as pathogenic or benign to our knowledge